The following is an entry in ClinVar:

ClinVar aggregate classification (germline): Uncertain significance (1 of 4 stars; one submission).

Conditions:
Zellweger spectrum disorders (ZS). Also called: Zellweger Spectrum Disorder (ZSD); Zellweger Spectrum Disorder; Zellweger Spectrum; Zellweger syndrome. Identifiers: Orphanet 912, MedGen C0043459, MONDO:0019609.

Submission:

Labcorp Genetics (formerly Invitae), Labcorp
Classification: Uncertain significance for Zellweger spectrum disorders. Last evaluated: 2024-05-06. Review status: criteria provided, single submitter. Criteria: Invitae Variant Classification Sherloc (09022015). Collection method: clinical testing. Allele origin: germline.
Comment: This sequence change replaces leucine, which is neutral and non-polar, with proline, which is neutral and non-polar, at codon 718 of the PEX1 protein (p.Leu718Pro). This variant is not present in population databases (gnomAD no frequency). This variant has not been reported in the literature in individuals affected with PEX1-related conditions. Advanced modeling of protein sequence and biophysical properties (such as structural, functional, and spatial information, amino acid conservation, physicochemical variation, residue mobility, and thermodynamic stability) performed at Invitae indicates that this missense variant is expected to disrupt PEX1 protein function with a positive predictive value of 80%. In summary, the available evidence is currently insufficient to determine the role of this variant in disease. Therefore, it has been classified as a Variant of Uncertain Significance.

NM_000466.3(PEX1):c.2153T>C (p.Leu718Pro)

Gene: PEX1 (peroxisomal biogenesis factor 1; minus strand). Cytogenetic location: 7q21.2.
Variant type: single nucleotide variant.
Coding change: c.2153T>C on transcript NM_000466.3 (MANE Select); coding-DNA position 2153, T replaced by C.
Protein change: p.Leu718Pro; replaces leucine 718 with proline.
Molecular consequence: missense variant.
Genome position (GRCh38, 1-based): chr7:92,503,114, A>G on the plus strand (T>C on the coding strand, the complement: PEX1 is on the minus strand). VCF-style: chr7-92503114-A-G. GRCh37 (hg19) VCF-style: chr7-92132428-A-G.
Other names: c.1982T>C, p.Leu661Pro (NM_001282677.2); c.1529T>C, p.Leu510Pro (NM_001282678.2); short protein forms L718P, L510P, L661P.
Identifiers: ClinVar variation 3630077 (VCV003630077.2).